The following is an entry in ClinVar:

NR_003051.4(RMRP):n.214G>A

Gene: RMRP (RNA component of mitochondrial RNA processing endoribonuclease; minus strand). Cytogenetic location: 9p13.3.
Variant type: single nucleotide variant.
Genome position: GRCh38 VCF-style: chr9-35657806-C-T. GRCh37 (hg19) VCF-style: chr9-35657803-C-T.
Identifiers: ClinVar variation 857601 (VCV000857601.5), dbSNP rs145720742, ClinGen allele CA192745564.

ClinVar aggregate classification (germline): Uncertain significance. Review status: criteria provided, single submitter (1 of 4 stars). 2 submissions from 2 submitters: Uncertain significance (1). 1 of the submissions does not count toward it. Last evaluated 2022-08-22.

Conditions:
Anauxetic dysplasia. Identifiers: Orphanet 93347, MedGen C1846796, MONDO:0011773.
Metaphyseal chondrodysplasia, McKusick type (CHH). Also called: Cartilage-Hair Hypoplasia (CHH); Cartilage-hair hypoplasia. Identifiers: Orphanet 175, MedGen C0220748, MONDO:0009595, OMIM 250250.

Allele frequency attached by ClinVar (database versions not stated): gnomAD 0.00003 and 0.00005; TOPMed 0.00005; 1000 Genomes Project 30x 0.00062; 1000 Genomes Project 0.00080.
gnomAD v4.1: 27 of 692,210 alleles (0.0039%); highest among the groups gnomAD compares: Middle Eastern, 0.037%; no homozygotes.

Submissions (2):

Labcorp Genetics (formerly Invitae), Labcorp
Classification: Uncertain significance for Anauxetic dysplasia. Last evaluated: 2022-08-22. Review status: criteria provided, single submitter. Criteria: Invitae Variant Classification Sherloc (09022015). Collection method: clinical testing. Allele origin: germline.
Comment: This variant occurs in the RMRP gene, which encodes an RNA molecule that does not result in a protein product. This variant is present in population databases (rs145720742, gnomAD 0.009%). This variant has not been reported in the literature in individuals affected with RMRP-related conditions. ClinVar contains an entry for this variant (Variation ID: 857601). Experimental studies and prediction algorithms are not available or were not evaluated, and the functional significance of this variant is currently unknown. In summary, the available evidence is currently insufficient to determine the role of this variant in disease. Therefore, it has been classified as a Variant of Uncertain Significance.

Natera, Inc.
Classification: Uncertain significance for Cartilage-hair hypoplasia. Last evaluated: 2020-01-17. Review status: no assertion criteria provided. Collection method: clinical testing. Allele origin: germline. Not counted in ClinVar's aggregate classification.